The following is an entry in ClinVar:

NM_003074.4(SMARCC1):c.2329del (p.Glu777fs)

Gene: SMARCC1 (SWI/SNF related BAF chromatin remodeling complex subunit C1; minus strand). Cytogenetic location: 3p21.31.
Variant type: Deletion.
Coding change: c.2329del on transcript NM_003074.4 (MANE Select); coding-DNA position 2329, one base deleted (G; older notation c.2329delG).
Protein change: p.Glu777fs; shifts the reading frame from glutamic acid 777.
Molecular consequence: frameshift variant.
Genome position (GRCh38, 1-based): chr3:47,638,772, C deleted on the plus strand (G on the coding strand, the reverse complement: SMARCC1 is on the minus strand). VCF-style (leftmost placement, unchanged base first): chr3-47638771-TC-T. GRCh37 (hg19) VCF-style: chr3-47680261-TC-T.
Other names: short protein forms E777fs.
Identifiers: ClinVar variation 5019900 (VCV005019900.2).
Genomic context (GRCh38, chr3:47,638,771, plus strand): 5'-CTGTGAGACTTTACCTTTTCAGGCTGCTGACCATCAGGGTCGGCTTCCATTTTTTCCTCT[TC>T]AGCTCCTTCTACAAGTAAAAGAATAAGAACAAGTACTCCAATGTGGAAAAAGGTAAAAGC-3'

ClinVar aggregate classification (germline): Likely pathogenic (1 of 4 stars; one submission).

Conditions:
Hydrocephalus, congenital, 5, susceptibility to (HYC5). Identifiers: MedGen C5830272, MONDO:0859376, OMIM 620241.

Submission:

Juno Genomics, Hangzhou Juno Genomics, Inc
Classification: Likely pathogenic for Hydrocephalus, congenital, 5, susceptibility to. Review status: criteria provided, single submitter. Criteria: ACMG Guidelines, 2015. Collection method: clinical testing. Allele origin: germline.
Comment: Absent from controls (or at extremely low frequency if recessive) in Genome Aggregation Database.;Null variant in a gene where loss of function (LOF) is a known mechanism of disease.